The following is an entry in ClinVar:

NM_001374736.1(DST):c.11695-16C>A

Gene: DST (dystonin; minus strand). Cytogenetic location: 6p12.1.
Variant type: single nucleotide variant.
Coding change: c.11695-16C>A on transcript NM_001374736.1 (MANE Select); 16 bases into the intron before coding-DNA position 11695, C replaced by A.
Molecular consequence: intron variant.
Genome position (GRCh38, 1-based): chr6:56,598,725, G>T on the plus strand (C>A on the coding strand, the complement: DST is on the minus strand). VCF-style: chr6-56598725-G-T. GRCh37 (hg19) VCF-style: chr6-56463523-G-T.
Other names: c.5338-16C>A (NM_001144769.5); c.11695-16C>A (NM_001374722.1); c.11722-16C>A (NM_001374734.1); c.4924-16C>A (NM_001144770.2); c.4804-16C>A (NM_001374730.1, NM_001386100.1, NM_183380.4); c.11062-16C>A (NM_001374729.1); c.3826-16C>A (NM_015548.5).
Identifiers: ClinVar variation 2173483 (VCV002173483.1), dbSNP rs1017755789, ClinGen allele CA139192449.

ClinVar aggregate classification (germline): Uncertain significance (1 of 4 stars; one submission).

Conditions:
Hereditary sensory and autonomic neuropathy type 6. Also called: HSAN VI; Neuropathy, hereditary sensory and autonomic, type VI. Identifiers: Orphanet 314381, MedGen C3539003, MONDO:0013839, OMIM 614653.
Epidermolysis bullosa simplex 3, localized or generalized intermediate, with BP230 deficiency (EBS3). Also called: Epidermolysis bullosa simplex due to BP230 deficiency; Epidermolysis bullosa simplex, autosomal recessive 2. Identifiers: Orphanet 412181, MedGen C3809470, MONDO:0014180, OMIM 615425.

gnomAD v4.1: 4 of 1,443,360 alleles (0.00028%); highest among the groups gnomAD compares: Non-Finnish European, 0.00038%; no homozygotes.

Submission:

Labcorp Genetics (formerly Invitae), Labcorp
Classification: Uncertain significance for Epidermolysis bullosa simplex 3, localized or generalized intermediate, with BP230 deficiency; Hereditary sensory and autonomic neuropathy type 6. Last evaluated: 2022-05-04. Review status: criteria provided, single submitter. Criteria: Invitae Variant Classification Sherloc (09022015). Collection method: clinical testing. Allele origin: germline.
Comment: The DST gene has multiple clinically relevant transcripts. This variant occurs in alternate transcript NM_015548.4, and corresponds to NM_001723.5:c.*16792C>A in the primary transcript. This sequence change falls in intron 26 of the DST gene. It does not directly change the encoded amino acid sequence of the DST protein. This variant is not present in population databases (gnomAD no frequency). This variant has not been reported in the literature in individuals affected with DST-related conditions. Experimental studies and prediction algorithms are not available or were not evaluated, and the effect of this variant on mRNA splicing is currently unknown. In summary, the available evidence is currently insufficient to determine the role of this variant in disease. Therefore, it has been classified as a Variant of Uncertain Significance.